The following is an entry in ClinVar:

ClinVar aggregate classification (germline): Conflicting classifications of pathogenicity. Review status: criteria provided, conflicting classifications (1 of 4 stars). 3 submissions from 3 submitters: Uncertain significance (2); Benign (1). Last evaluated 2026-07-20.

Conditions:
Amyotrophic lateral sclerosis type 4 (ALS4). Also called: NEURONOPATHY, DISTAL HEREDITARY MOTOR, WITH PYRAMIDAL FEATURES; AMYOTROPHIC LATERAL SCLEROSIS 4, JUVENILE. Identifiers: Orphanet 357043, MedGen C1865409, MONDO:0011223, OMIM 602433.
Spinocerebellar ataxia, autosomal recessive, with axonal neuropathy 2 (SCAN2). Also called: Ataxia with Oculomotor Apraxia; Ataxia with Oculomotor Apraxia Type 2; Ataxia-ocular apraxia-2; ATAXIA-OCULOMOTOR APRAXIA 2. Identifiers: Orphanet 64753, MedGen C1853761, MONDO:0018996, OMIM 606002.
SETX-related disorder. Also called: SETX-related condition; SETX-related disorders. Identifiers: MedGen CN239403.
Inborn genetic diseases. Identifiers: MedGen C0950123, MeSH D030342.

Allele frequency attached by ClinVar (database versions not stated): ExAC 0.00001; gnomAD 0.00003; TOPMed 0.00014; 1000 Genomes Project 30x 0.00031; 1000 Genomes Project 0.00040.
gnomAD v4.1: 9 of 1,614,056 alleles (0.00056%); highest among the groups gnomAD compares: Admixed American, 0.012%; no homozygotes.

Submissions (3):

PreventionGenetics, part of Exact Sciences
Classification: Uncertain significance for SETX-related condition. Last evaluated: 2026-07-20. Review status: criteria provided, single submitter. Criteria: ACMG Guidelines, 2015. Collection method: clinical testing. Allele origin: germline.
Comment: The SETX c.1849G>A variant is predicted to result in the amino acid substitution p.Ala617Thr. To our knowledge, this variant has not been reported in the literature. This variant is reported in 0.0058% of alleles in individuals of Latino descent in gnomAD. At this time, the clinical significance of this variant is uncertain due to the absence of conclusive functional and genetic evidence.

Labcorp Genetics (formerly Invitae), Labcorp
Classification: Benign for Amyotrophic lateral sclerosis type 4; Spinocerebellar ataxia, autosomal recessive, with axonal neuropathy 2. Last evaluated: 2024-10-23. Review status: criteria provided, single submitter. Criteria: Invitae Variant Classification Sherloc (09022015). Collection method: clinical testing. Allele origin: germline.

Ambry Genetics
Classification: Uncertain significance for Inborn genetic diseases. Last evaluated: 2023-12-21. Review status: criteria provided, single submitter. Criteria: Ambry Variant Classification Scheme 2023. Collection method: clinical testing. Allele origin: germline.

NM_015046.7(SETX):c.1849G>A (p.Ala617Thr)

Gene: SETX (senataxin; minus strand). Cytogenetic location: 9q34.13.
Variant type: single nucleotide variant.
Coding change: c.1849G>A on transcript NM_015046.7 (MANE Select); coding-DNA position 1849, G replaced by A.
Protein change: p.Ala617Thr; replaces alanine 617 with threonine.
Molecular consequence: missense variant.
Genome position (GRCh38, 1-based): chr9:132,329,749, C>T on the plus strand (G>A on the coding strand, the complement: SETX is on the minus strand). VCF-style: chr9-132329749-C-T. GRCh37 (hg19) VCF-style: chr9-135205136-C-T.
Other names: c.1849G>A, p.Ala617Thr (NM_001351527.2, NM_001351528.2); short protein forms A617T.
Identifiers: ClinVar variation 1781293 (VCV001781293.5), dbSNP rs192928196, ClinGen allele CA5297712.